The following is an entry in ClinVar:

ClinVar aggregate classification (germline): Uncertain significance (1 of 4 stars; one submission).

Conditions:
Inborn genetic diseases. Identifiers: MedGen C0950123, MeSH D030342.

Submission:

Ambry Genetics
Classification: Uncertain significance for Inborn genetic diseases. Last evaluated: 2022-01-30. Review status: criteria provided, single submitter. Criteria: Ambry Variant Classification Scheme 2023. Collection method: clinical testing. Allele origin: germline.
Comment: The p.V176A variant (also known as c.527T>C), located in coding exon 5 of the LRRK2 gene, results from a T to C substitution at nucleotide position 527. The valine at codon 176 is replaced by alanine, an amino acid with similar properties. This amino acid position is conserved. In addition, the in silico prediction for this alteration is inconclusive. Since supporting evidence is limited at this time, the clinical significance of this alteration remains unclear.

NM_198578.4(LRRK2):c.527T>C (p.Val176Ala)

Gene: LRRK2 (leucine rich repeat kinase 2; plus strand). Cytogenetic location: 12q12.
Variant type: single nucleotide variant.
Coding change: c.527T>C on transcript NM_198578.4 (MANE Select); coding-DNA position 527, T replaced by C.
Protein change: p.Val176Ala; replaces valine 176 with alanine.
Molecular consequence: missense variant.
Genome position (GRCh38, 1-based): chr12:40,238,059, T>C. VCF-style: chr12-40238059-T-C. GRCh37 (hg19) VCF-style: chr12-40631861-T-C.
Other names: short protein forms V176A.
Identifiers: ClinVar variation 1746561 (VCV001746561.2), dbSNP rs2499420054, ClinGen allele CA384404139.